The following is an entry in ClinVar:

NM_001283009.2(RTEL1):c.682T>C (p.Tyr228His)

Genes: RTEL1 (regulator of telomere elongation helicase 1; plus strand), RTEL1-TNFRSF6B (RTEL1-TNFRSF6B readthrough (NMD candidate); plus strand). Cytogenetic location: 20q13.33.
Variant type: single nucleotide variant.
Coding change: c.682T>C on transcript NM_001283009.2 (MANE Select); coding-DNA position 682, T replaced by C.
Protein change: p.Tyr228His; replaces tyrosine 228 with histidine.
Molecular consequence: missense variant. On other transcripts: non-coding transcript variant (1).
Genome position (GRCh38, 1-based): chr20:63,667,536, T>C. VCF-style: chr20-63667536-T-C. GRCh37 (hg19) VCF-style: chr20-62298889-T-C.
Other names: c.13T>C, p.Tyr5His (NM_001283010.1); c.682T>C, p.Tyr228His (NM_016434.4); c.754T>C, p.Tyr252His (NM_032957.5); short protein forms Y5H, Y252H, Y228H.
Identifiers: ClinVar variation 2928957 (VCV002928957.3), dbSNP rs2517017113, ClinGen allele CA409670762.
Genomic context (GRCh38, chr20:63,667,536, plus strand): 5'-CCTTACTACCTGTCCCGGAACCTGAAGCAGCAAGCCGACATCATATTCATGCCGTACAAT[T>C]ACTTGTTGGATGCCAAGGTGGGGGCTCAGTCCTGTAGCTGACGACTCCTGATGTCCAGGG-3'
Protein context (NP_001269938.1, residues 218-238): QADIIFMPYN[Tyr228His]LLDAKSRRAH

ClinVar aggregate classification (germline): Uncertain significance (1 of 4 stars; one submission).

Conditions:
Pulmonary fibrosis and/or bone marrow failure, Telomere-related, 3. Also called: PULMONARY FIBROSIS AND/OR BONE MARROW FAILURE SYNDROME, TELOMERE-RELATED, 3. Identifiers: Orphanet 2032, MedGen C4225346, MONDO:0014613, OMIM 616373.
Dyskeratosis congenita, autosomal recessive 5 (DKCB5). Identifiers: MedGen C3554656, MONDO:0014076, OMIM 615190.

Submission:

Labcorp Genetics (formerly Invitae), Labcorp
Classification: Uncertain significance for Dyskeratosis congenita, autosomal recessive 5; Pulmonary fibrosis and/or bone marrow failure, Telomere-related, 3. Last evaluated: 2025-03-10. Review status: criteria provided, single submitter. Criteria: Invitae Variant Classification Sherloc (09022015). Collection method: clinical testing. Allele origin: germline.
Comment: This sequence change replaces tyrosine, which is neutral and polar, with histidine, which is basic and polar, at codon 228 of the RTEL1 protein (p.Tyr228His). This variant is not present in population databases (gnomAD no frequency). This variant has not been reported in the literature in individuals affected with RTEL1-related conditions. ClinVar contains an entry for this variant (Variation ID: 2928957). An algorithm developed to predict the effect of missense changes on protein structure and function (PolyPhen-2) suggests that this variant is likely to be disruptive. In summary, the available evidence is currently insufficient to determine the role of this variant in disease. Therefore, it has been classified as a Variant of Uncertain Significance.